The following is an entry in ClinVar:

ClinVar aggregate classification (germline): Uncertain significance. Review status: criteria provided, multiple submitters, no conflicts (2 of 4 stars). 6 submissions from 6 submitters: Uncertain significance (4). 2 of the submissions do not count toward it. Last evaluated 2025-09-02.

Conditions:
Fanconi anemia (FA). Also called: Fanconi's anemia. Identifiers: Orphanet 84, MedGen C0015625, MeSH D005199, MONDO:0019391.
Hereditary cancer-predisposing syndrome. Also called: Tumor predisposition; Hereditary neoplastic syndrome; Neoplastic Syndromes, Hereditary; Hereditary Cancer Syndrome. Identifiers: Orphanet 140162, MedGen C0027672, MeSH D009386, MONDO:0015356.
Fanconi anemia complementation group C (FANCC). Also called: Fanconi anemia, group C; FANCONI PANCYTOPENIA, TYPE 3; FACC; FANCC-Related Fanconi Anemia. Identifiers: Orphanet 84, MedGen C3468041, MONDO:0009213, OMIM 227645.

Allele frequency attached by ClinVar (database versions not stated): TOPMed below 0.00001; gnomAD 0.00001; gnomAD exomes 0.00001 and 0.00002; ExAC 0.00002; 1000 Genomes Project 30x 0.00016; 1000 Genomes Project 0.00020.
gnomAD v4.1: 12 of 1,613,118 alleles (0.00074%); highest among the groups gnomAD compares: South Asian, 0.012%; 1 homozygote.

Submissions (6):

Ambry Genetics
Classification: Uncertain significance for Hereditary cancer-predisposing syndrome. Last evaluated: 2025-09-02. Review status: criteria provided, single submitter. Criteria: Ambry Variant Classification Scheme 2023. Collection method: clinical testing. Allele origin: germline.
Comment: The p.D128G variant (also known as c.383A>G), located in coding exon 4 of the FANCC gene, results from an A to G substitution at nucleotide position 383. The aspartic acid at codon 128 is replaced by glycine, an amino acid with similar properties. This amino acid position is conserved. In addition, this alteration is predicted to be tolerated by in silico analysis. Since supporting evidence is limited at this time, the clinical significance of this alteration remains unclear.

Fulgent Genetics
Classification: Uncertain significance for Fanconi anemia complementation group C. Last evaluated: 2024-05-21. Review status: criteria provided, single submitter. Criteria: ACMG Guidelines, 2015. Collection method: clinical testing. Allele origin: germline.

Labcorp Genetics (formerly Invitae), Labcorp
Classification: Uncertain significance for Fanconi anemia. Last evaluated: 2024-03-26. Review status: criteria provided, single submitter. Criteria: Invitae Variant Classification Sherloc (09022015). Collection method: clinical testing. Allele origin: germline.
Comment: This sequence change replaces aspartic acid, which is acidic and polar, with glycine, which is neutral and non-polar, at codon 128 of the FANCC protein (p.Asp128Gly). This variant is present in population databases (rs555753798, gnomAD 0.02%), including at least one homozygous and/or hemizygous individual. This variant has not been reported in the literature in individuals affected with FANCC-related conditions. ClinVar contains an entry for this variant (Variation ID: 134303). Advanced modeling of protein sequence and biophysical properties (such as structural, functional, and spatial information, amino acid conservation, physicochemical variation, residue mobility, and thermodynamic stability) performed at Invitae indicates that this missense variant is not expected to disrupt FANCC protein function with a negative predictive value of 80%. In summary, the available evidence is currently insufficient to determine the role of this variant in disease. Therefore, it has been classified as a Variant of Uncertain Significance.

GeneDx
Classification: Uncertain significance. Last evaluated: 2016-06-02. Review status: criteria provided, single submitter. Criteria: GeneDx Variant Classification (06012015). Collection method: clinical testing. Allele origin: germline. Affected: yes.
Comment: This variant is denoted FANCC c.383A>G at the cDNA level, p.Asp128Gly (D128G) at the protein level, and results in the change of an Aspartic Acid to a Glycine (GAT>GGT). This variant was identified in 1/50 healthy Central Asian individuals undergoing whole genome sequencing (Bodian 2014). FANCC Asp128Gly was not observed at a significant allele frequency in 1000 Genomes. Since Aspartic Acid and Glycine differ in polarity, charge, size or other properties, this is considered a non-conservative amino acid substitution. FANCC Asp128Gly occurs at a position that is not conserved and is located in a region of interaction with Hsp70, GRP94, RED and FAZF (Gordon 2000). In silico analyses predict that this variant is unlikely to alter protein structure or function. Based on currently available evidence, it is unclear whether FANCC Asp128Gly is a pathogenic or benign variant. We consider it to be a variant of uncertain significance.

ITMI
No classification provided. Condition: AllHighlyPenetrant. Last evaluated: 2013-09-19. Review status: no classification provided. Collection method: reference population. Allele origin: germline. Not counted in ClinVar's aggregate classification.
Comment: Please see associated publication for description of ethnicities

Department of Pathology and Laboratory Medicine, Sinai Health System
Classification: Uncertain significance. Review status: no assertion criteria provided. Collection method: clinical testing. Allele origin: unknown. Affected: yes. Study: The Canadian Open Genetics Repository (COGR). Not counted in ClinVar's aggregate classification.
Comment: The FANCC p.D128G variant was identified in dbSNP (ID: rs555753798) as â€šÃ„Ãºwith uncertain significance alleleâ€šÃ„Ã¹. The variant was also identified in control databases in 5 of 251168 chromosomes (1 homozygous) at a frequency of 0.00002 (Genome Aggregation Database Feb 27, 2017). The variant was observed in the following populations: South Asian in 5 of 30598 chromosomes (freq: 0.000163), while the variant was not observed in the African, Latino, Ashkenazi Jewish, East Asian, European (Finnish), European (non-Finnish) and other populations. In ClinVar, GeneDx previously classified the variant as a variant of uncertain significance. However, the participants in this study were younger than 50 years old and thus the unaffected status of this individual may not be significant. The FANCC p.D128G variant was not identified in the Fanconi Anemia Mutation Database (LOVD). FANCC p.Asp128Gly occurs at a position that is not conserved in mammals. Two out of four in silico prediction software programs predict a greater than 10% difference in splicing, i.e. an increase in a 5â€šÃ„Ã´ splice site (SpliceSpiteFinder-Like and MaxEntScan). Furthermore, two out of five computational programs (SIFT and BLOSUM) predict a high likelihood of impact on the protein structure. However, this information is not predictive enough to assume pathogenicity. In summary, based on the above information the clinical significance of this variant cannot be determined with certainty at this time. This variant is classified as a variant of uncertain significance. References: Bodian, Dale L., et al. "Germline variation in cancer-susceptibility genes in a healthy, ancestrally diverse cohort: implications for individual genome sequencing." PloS one 9.4 (2014): e94554. Disease information: Biallelic pathogenic variants in the FANCC gene are associated with Fanconi Anemia. Fanconi anemia (FA) is characterized by physical abnormalities, bone marrow failure, and increased risk for malignancy (GeneReviews). Approximately 14% of cases of Fanconi anemia are attributed to mutations in FANCC. Heterozygous carriers of a subset of other FA- related genes (e.g. BRCA2, PALB2) are associated with an increased risk of cancer including breast cancer[Seal et al 2006, Berwick et al 2007, Rahman et al 2007. However, literature on the association of cancer risk for FANCC mutation carriers is mixed. There is some evidence that female carriers of FANCC mutations are at an increased risk for breast cancer and that truncating mutation in FANCC may predispose to early-onset pancreatic cancer (Berwick 2007) (Thompson 2012) ( Couch 2005). However other literature has failed to show an increased risk for cancer in FANCC mutation carriers (Seal 2003) (Laitman 2016). The FANCC gene is part of the FA core complex and plays in a role in the Fanconi Anemia Pathway. Pathogenic mutations in FANCC lead to disruption of the FA pathway, resulting in the lack of proper repair of DNA damage, impacting the process of DNA replication and leading to the buildup of errors in DNA.

Literature cited by the submitters: PubMed 24728327 (cited by ITMI).

NM_000136.3(FANCC):c.383A>G (p.Asp128Gly)

Gene: FANCC (FA complementation group C; minus strand). Cytogenetic location: 9q22.32.
Variant type: single nucleotide variant.
Coding change: c.383A>G on transcript NM_000136.3 (MANE Select); coding-DNA position 383, A replaced by G.
Protein change: p.Asp128Gly; replaces aspartic acid 128 with glycine.
Molecular consequence: missense variant.
Genome position (GRCh38, 1-based): chr9:95,172,110, T>C on the plus strand (A>G on the coding strand, the complement: FANCC is on the minus strand). VCF-style: chr9-95172110-T-C. GRCh37 (hg19) VCF-style: chr9-97934392-T-C.
Other names: c.383A>G, p.Asp128Gly (NM_001243743.2, NM_001243744.2); short protein forms D128G.
Identifiers: ClinVar variation 134303 (VCV000134303.9), dbSNP rs555753798, ClinGen allele CA159405.